The following is an entry in ClinVar:

ClinVar aggregate classification (germline): Benign (1 of 4 stars; one submission).

Submission:

CeGaT Center for Human Genetics Tuebingen
Classification: Benign. Last evaluated: 2022-12-01. Review status: criteria provided, single submitter. Criteria: CeGaT Center For Human Genetics Tuebingen Variant Classification Criteria Version 2. Collection method: clinical testing. Allele origin: germline. Affected: yes. Observed: 3 variant alleles.
Comment: PLCB1: BS1, BS2

NM_015192.4(PLCB1):c.*1978_*1981dup

Gene: PLCB1 (phospholipase C beta 1; plus strand). Cytogenetic location: 20p12.3.
Variant type: Duplication.
Coding change: c.*1978_*1981dup on transcript NM_015192.4 (MANE Select); 1978 bases downstream of the stop codon through 1981 bases downstream of the stop codon, 4 bases duplicated (CTTT; older notation c.*1978_*1981dupCTTT).
Molecular consequence: 3 prime UTR variant.
Genome position (GRCh38, 1-based): chr20:8,883,827-8,883,830, CTTT duplicated; duplicating any 4 consecutive bases within chr20:8,883,826-8,883,830 gives the same sequence; the c. name uses the placement nearest the transcript's 3' end. VCF-style (leftmost placement, unchanged base first): chr20-8883825-A-ATCTT. GRCh37 (hg19) VCF-style: chr20-8864472-A-ATCTT.
Other names: c.*2225_*2228dup (NM_182734.3).
Identifiers: ClinVar variation 1879533 (VCV001879533.29), dbSNP rs202098034, ClinGen allele CA311686271.